The following is an entry in ClinVar:

ClinVar aggregate classification (germline): Uncertain significance (1 of 4 stars; one submission).

Conditions:
Duchenne muscular dystrophy (DMD). Also called: MUSCULAR DYSTROPHY, PSEUDOHYPERTROPHIC PROGRESSIVE, DUCHENNE TYPE; Duchenne Muscular Dystrophy (DMD). Identifiers: Orphanet 98896, MedGen C0013264, MONDO:0010679, OMIM 310200.

Submission:

Labcorp Genetics (formerly Invitae), Labcorp
Classification: Uncertain significance for Duchenne muscular dystrophy. Last evaluated: 2020-01-24. Review status: criteria provided, single submitter. Criteria: Invitae Variant Classification Sherloc (09022015). Collection method: clinical testing. Allele origin: germline.
Comment: In summary, the available evidence is currently insufficient to determine the role of this variant in disease. Therefore, it has been classified as a Variant of Uncertain Significance. Algorithms developed to predict the effect of missense changes on protein structure and function (SIFT, PolyPhen-2, Align-GVGD) all suggest that this variant is likely to be disruptive, but these predictions have not been confirmed by published functional studies and their clinical significance is uncertain. This variant has not been reported in the literature in individuals with DMD-related conditions. This variant is not present in population databases (ExAC no frequency). This sequence change replaces leucine with valine at codon 533 of the DMD protein (p.Leu533Val). The leucine residue is highly conserved and there is a small physicochemical difference between leucine and valine.

NM_004006.3(DMD):c.1597C>G (p.Leu533Val)

Gene: DMD (dystrophin; minus strand). Cytogenetic location: Xp21.1.
Variant type: single nucleotide variant.
Coding change: c.1597C>G on transcript NM_004006.3 (MANE Select); coding-DNA position 1597, C replaced by G.
Protein change: p.Leu533Val; replaces leucine 533 with valine.
Molecular consequence: missense variant.
Genome position (GRCh38, 1-based): chrX:32,595,762, G>C on the plus strand (C>G on the coding strand, the complement: DMD is on the minus strand). VCF-style: chrX-32595762-G-C. GRCh37 (hg19) VCF-style: chrX-32613879-G-C.
Other names: c.1573C>G, p.Leu525Val (NM_000109.4); c.1585C>G, p.Leu529Val (NM_004009.3); c.1228C>G, p.Leu410Val (NM_004010.3); short protein forms L410V, L525V, L529V, L533V.
Identifiers: ClinVar variation 1051401 (VCV001051401.10), dbSNP rs1556834538, ClinGen allele CA412665270.